The following is an entry in ClinVar:

NM_170665.4(ATP2A2):c.2778dup (p.Trp927fs)

Gene: ATP2A2 (ATPase sarcoplasmic/endoplasmic reticulum Ca2+ transporting 2; plus strand). Cytogenetic location: 12q24.11.
Variant type: Duplication.
Coding change: c.2778dup on transcript NM_170665.4 (MANE Select); coding-DNA position 2778, one base duplicated (C; older notation c.2778dupC).
Protein change: p.Trp927fs; shifts the reading frame from tryptophan 927.
Molecular consequence: frameshift variant.
Genome position (GRCh38, 1-based): chr12:110,346,037, C duplicated; the last of 6 consecutive C bases (chr12:110,346,032-110,346,037); duplicating any one gives the same sequence. VCF-style (leftmost placement, unchanged base first): chr12-110346031-G-GC. GRCh37 (hg19) VCF-style: chr12-110783836-G-GC.
Other names: c.2778dup, p.Trp927fs (NM_001681.4); short protein forms W927fs.
Identifiers: ClinVar variation 1189678 (VCV001189678.2), dbSNP rs1592868802, ClinGen allele CA645586992.

ClinVar aggregate classification (germline): Likely pathogenic (1 of 4 stars; one submission).

Submission:

GeneDx
Classification: Likely pathogenic. Last evaluated: 2021-04-20. Review status: criteria provided, single submitter. Criteria: GeneDx Variant Classification Process June 2021. Collection method: clinical testing. Allele origin: germline. Affected: yes.
Comment: Frameshift variant in the C-terminus predicted to result in protein truncation, as the last 116 amino acids are lost and replaced with 54 incorrect amino acids; Not observed in large population cohorts (Lek et al., 2016); This variant is associated with the following publications: (PMID: 28035777, 19528419)